The following is an entry in ClinVar:

ClinVar aggregate classification (germline): Uncertain significance (1 of 4 stars; one submission).

Conditions:
Predisposition to invasive fungal disease due to CARD9 deficiency (IMD103). Also called: Candidiasis, familial, 2, autosomal recessive; CARD9 IMMUNODEFICIENCY; IMMUNODEFICIENCY 103, SUSCEPTIBILITY TO FUNGAL INFECTIONS. Identifiers: Orphanet 457088, MedGen C1859353, MONDO:0008905, OMIM 212050.

Allele frequency attached by ClinVar (database versions not stated): TOPMed 0.00004; ESP Exome Variant Server 0.00008.
gnomAD v4.1: 121 of 1,609,594 alleles (0.0075%); highest among the groups gnomAD compares: Non-Finnish European, 0.0097%; no homozygotes.

Submission:

Labcorp Genetics (formerly Invitae), Labcorp
Classification: Uncertain significance for Predisposition to invasive fungal disease due to CARD9 deficiency. Last evaluated: 2022-02-09. Review status: criteria provided, single submitter. Criteria: Invitae Variant Classification Sherloc (09022015). Collection method: clinical testing. Allele origin: germline.
Comment: This sequence change replaces arginine, which is basic and polar, with leucine, which is neutral and non-polar, at codon 292 of the CARD9 protein (p.Arg292Leu). This variant is present in population databases (rs143263677, gnomAD 0.01%). This variant has not been reported in the literature in individuals affected with CARD9-related conditions. ClinVar contains an entry for this variant (Variation ID: 1007354). Algorithms developed to predict the effect of missense changes on protein structure and function (SIFT, PolyPhen-2, Align-GVGD) all suggest that this variant is likely to be tolerated. In summary, the available evidence is currently insufficient to determine the role of this variant in disease. Therefore, it has been classified as a Variant of Uncertain Significance.

NM_052813.5(CARD9):c.875G>T (p.Arg292Leu)

Gene: CARD9 (caspase recruitment domain family member 9; minus strand). Cytogenetic location: 9q34.3.
Variant type: single nucleotide variant.
Coding change: c.875G>T on transcript NM_052813.5 (MANE Select); coding-DNA position 875, G replaced by T.
Protein change: p.Arg292Leu; replaces arginine 292 with leucine.
Molecular consequence: missense variant.
Genome position (GRCh38, 1-based): chr9:136,370,370, C>A on the plus strand (G>T on the coding strand, the complement: CARD9 is on the minus strand). VCF-style: chr9-136370370-C-A. GRCh37 (hg19) VCF-style: chr9-139264822-C-A.
Other names: c.875G>T, p.Arg292Leu (NM_052814.4); short protein forms R292L.
Identifiers: ClinVar variation 1007354 (VCV001007354.6), dbSNP rs143263677, ClinGen allele CA5332945.